The following is an entry in ClinVar:

ClinVar aggregate classification (germline): Conflicting classifications of pathogenicity. Review status: criteria provided, conflicting classifications (1 of 4 stars). 2 submissions from 2 submitters: Likely pathogenic (1); Uncertain significance (1). Last evaluated 2025-10-31.

Conditions:
Epilepsy, childhood absence, susceptibility to, 1. Also called: Epilepsy, childhood absence 1. Identifiers: Orphanet 64280, MedGen C1838604, MONDO:0020759, OMIM 600131.
Epilepsy, childhood absence, susceptibility to, 5. Identifiers: Orphanet 64280, MedGen C2677087, MONDO:0012843, OMIM 612269.

Submissions (2):

GeneDx
Classification: Likely pathogenic. Last evaluated: 2025-10-31. Review status: criteria provided, single submitter. Criteria: GeneDx Variant Classification Process June 2021. Collection method: clinical testing. Allele origin: germline.
Comment: Reported as a de novo variant in a patient with a developmental disorder in published literature; however, a de novo variant in another gene was also identified in this individual and no further clinical information was provided (PMID: 33057194); Not observed at significant frequency in large population cohorts (gnomAD); In silico analysis supports that this missense variant has a deleterious effect on protein structure/function; This variant is associated with the following publications: (PMID: 35982159, 33057194)

Labcorp Genetics (formerly Invitae), Labcorp
Classification: Uncertain significance for Epilepsy, childhood absence, susceptibility to, 5; Epilepsy, childhood absence, susceptibility to, 1. Last evaluated: 2024-11-06. Review status: criteria provided, single submitter. Criteria: Invitae Variant Classification Sherloc (09022015). Collection method: clinical testing. Allele origin: germline.
Comment: This sequence change replaces tyrosine, which is neutral and polar, with cysteine, which is neutral and slightly polar, at codon 471 of the GABRB3 protein (p.Tyr471Cys). This variant is not present in population databases (gnomAD no frequency). This missense change has been observed in individual(s) with clinical features of GABRB3-related conditions (PMID: 33057194, 35982159). ClinVar contains an entry for this variant (Variation ID: 2446303). Invitae Evidence Modeling of protein sequence and biophysical properties (such as structural, functional, and spatial information, amino acid conservation, physicochemical variation, residue mobility, and thermodynamic stability) has been performed for this missense variant. However, the output from this modeling did not meet the statistical confidence thresholds required to predict the impact of this variant on GABRB3 protein function. In summary, the available evidence is currently insufficient to determine the role of this variant in disease. Therefore, it has been classified as a Variant of Uncertain Significance.

Literature cited by the submitters: PubMed 33057194 (cited by Labcorp Genetics (formerly Invitae), Labcorp); PubMed 35982159 (cited by Labcorp Genetics (formerly Invitae), Labcorp).

NM_000814.6(GABRB3):c.1412A>G (p.Tyr471Cys)

Gene: GABRB3 (gamma-aminobutyric acid type A receptor subunit beta3; minus strand). Cytogenetic location: 15q12.
Variant type: single nucleotide variant.
Coding change: c.1412A>G on transcript NM_000814.6 (MANE Select); coding-DNA position 1412, A replaced by G.
Protein change: p.Tyr471Cys; replaces tyrosine 471 with cysteine.
Molecular consequence: missense variant.
Genome position (GRCh38, 1-based): chr15:26,547,803, T>C on the plus strand (A>G on the coding strand, the complement: GABRB3 is on the minus strand). VCF-style: chr15-26547803-T-C. GRCh37 (hg19) VCF-style: chr15-26792950-T-C.
Other names: c.1157A>G, p.Tyr386Cys (NM_001191320.2, NM_001278631.2); c.1199A>G, p.Tyr400Cys (NM_001191321.3); c.1412A>G, p.Tyr471Cys (NM_021912.5); short protein forms Y386C, Y400C, Y471C.
Identifiers: ClinVar variation 2446303 (VCV002446303.4), dbSNP rs2504113694, ClinGen allele CA391458401.
Genomic context (GRCh38, chr15:26,547,803, plus strand): 5'-ATATTTCACTCAGTGTTAAATGAAGTCTTTGAAAAATCAAGTACAGTCACTCAGTTAACA[T>C]AGTACAGCCAGTAAACTAAGTTGAAAAGAGAAAAAGTGAATGGAAACACGATCCTGGACC-3'
Protein context (NP_000805.1, residues 461-473): SLFNLVYWLY[Tyr471Cys]VN